The following is an entry in ClinVar:

NM_001142730.3(KCTD1):c.2321A>T (p.Glu774Val)

Gene: KCTD1 (potassium channel tetramerization domain containing 1; minus strand). Cytogenetic location: 18q11.2.
Variant type: single nucleotide variant.
Coding change: c.2321A>T on transcript NM_001142730.3 (MANE Select); coding-DNA position 2321, A replaced by T.
Protein change: p.Glu774Val; replaces glutamic acid 774 with valine.
Molecular consequence: missense variant.
Genome position (GRCh38, 1-based): chr18:26,459,738, T>A on the plus strand (A>T on the coding strand, the complement: KCTD1 is on the minus strand). VCF-style: chr18-26459738-T-A. GRCh37 (hg19) VCF-style: chr18-24039702-T-A.
Other names: c.497A>T, p.Glu166Val (NM_001136205.2, NM_001258221.2, NM_001351443.1 and 1 more transcripts); c.521A>T, p.Glu174Val (NM_001258222.3); c.497A>T (NM_001258221.1); short protein forms E166V, E774V, E174V.
Identifiers: ClinVar variation 3583218 (VCV003583218.2).
Genomic context (GRCh38, chr18:26,459,738, plus strand): 5'-TCGTGATTCCAGCCTGCATTGACAGAGTTACACATCACGTCGCCGATCTCTGGAAATACT[T>A]CTTCTATCAAGGATTTGTCACCGCTTAGCGTGATCCTTTCTCCGAGGTCTGGGGCCACAC-3'
Protein context (NP_001136202.1, residues 764-784): TLSGDKSLIE[Glu774Val]VFPEIGDVMC

ClinVar aggregate classification (germline): Uncertain significance. Review status: criteria provided, multiple submitters, no conflicts (2 of 4 stars). 2 submissions from 2 submitters: Uncertain significance (2). Last evaluated 2026-01-18.

Conditions:
Scalp-ear-nipple syndrome (SENS). Also called: FINLAY-MARKS SYNDROME; SEN SYNDROME; Hereditary syndrome of lumpy scalp, odd ears and rudimentary nipples. Identifiers: Orphanet 2036, MedGen C1867020, MONDO:0008404, OMIM 181270.

gnomAD v4.1: 13 of 1,614,120 alleles (0.00081%); highest among the groups gnomAD compares: Admixed American, 0.02%; no homozygotes.

Submissions (2):

Labcorp Genetics (formerly Invitae), Labcorp
Classification: Uncertain significance. Last evaluated: 2026-01-18. Review status: criteria provided, single submitter. Criteria: Invitae Variant Classification Sherloc (09022015). Collection method: clinical testing. Allele origin: germline.
Comment: This sequence change replaces glutamic acid, which is acidic and polar, with valine, which is neutral and non-polar, at codon 166 of the KCTD1 protein (p.Glu166Val). This variant is present in population databases (rs747463897, gnomAD 0.04%). This variant has not been reported in the literature in individuals affected with KCTD1-related conditions. ClinVar contains an entry for this variant (Variation ID: 3583218). Invitae Evidence Modeling of protein sequence and biophysical properties (such as structural, functional, and spatial information, amino acid conservation, physicochemical variation, residue mobility, and thermodynamic stability) has been performed for this missense variant. However, the output from this modeling did not meet the statistical confidence thresholds required to predict the impact of this variant on KCTD1 protein function. In summary, the available evidence is currently insufficient to determine the role of this variant in disease. Therefore, it has been classified as a Variant of Uncertain Significance.

Fulgent Genetics
Classification: Uncertain significance for Scalp-ear-nipple syndrome. Last evaluated: 2024-04-25. Review status: criteria provided, single submitter. Criteria: ACMG Guidelines, 2015. Collection method: clinical testing. Allele origin: germline.